The following is an entry in ClinVar:

ClinVar aggregate classification (germline): Uncertain significance. Review status: criteria provided, multiple submitters, no conflicts (2 of 4 stars). 2 submissions from 2 submitters: Uncertain significance (2). Last evaluated 2025-12-28.

Conditions:
Inborn genetic diseases. Identifiers: MedGen C0950123, MeSH D030342.

Allele frequency attached by ClinVar (database versions not stated): gnomAD exomes 0.00001; ExAC 0.00006; gnomAD 0.00015; TOPMed 0.00015; ESP Exome Variant Server 0.00031.
gnomAD v4.1: 46 of 1,613,634 alleles (0.0029%); highest among the groups gnomAD compares: African/African-American, 0.056%; no homozygotes.

Submissions (2):

Labcorp Genetics (formerly Invitae), Labcorp
Classification: Uncertain significance. Last evaluated: 2025-12-28. Review status: criteria provided, single submitter. Criteria: Invitae Variant Classification Sherloc (09022015). Collection method: clinical testing. Allele origin: germline.
Comment: This sequence change replaces asparagine, which is neutral and polar, with histidine, which is basic and polar, at codon 368 of the RNF168 protein (p.Asn368His). This variant is present in population databases (rs138568907, gnomAD 0.06%). This variant has not been reported in the literature in individuals affected with RNF168-related conditions. ClinVar contains an entry for this variant (Variation ID: 2067303). An algorithm developed to predict the effect of missense changes on protein structure and function (PolyPhen-2) suggests that this variant is likely to be disruptive. In summary, the available evidence is currently insufficient to determine the role of this variant in disease. Therefore, it has been classified as a Variant of Uncertain Significance.

Ambry Genetics
Classification: Uncertain significance for Inborn genetic diseases. Last evaluated: 2024-07-02. Review status: criteria provided, single submitter. Criteria: Ambry Variant Classification Scheme 2023. Collection method: clinical testing. Allele origin: germline.

NM_152617.4(RNF168):c.1102A>C (p.Asn368His)

Gene: RNF168 (ring finger protein 168; minus strand). Cytogenetic location: 3q29.
Variant type: single nucleotide variant.
Coding change: c.1102A>C on transcript NM_152617.4 (MANE Select); coding-DNA position 1102, A replaced by C.
Protein change: p.Asn368His; replaces asparagine 368 with histidine.
Molecular consequence: missense variant.
Genome position (GRCh38, 1-based): chr3:196,472,433, T>G on the plus strand (A>C on the coding strand, the complement: RNF168 is on the minus strand). VCF-style: chr3-196472433-T-G. GRCh37 (hg19) VCF-style: chr3-196199304-T-G.
Other names: short protein forms N368H.
Identifiers: ClinVar variation 2067303 (VCV002067303.3), dbSNP rs138568907, ClinGen allele CA2780732.
Genomic context (GRCh38, chr3:196,472,433, plus strand): 5'-TTTTGGAAATCTCCTTACTGATCAGTAGGCACGACTCTTCATTTTCTGTCTCACCTGTGT[T>G]GTTTCCATTTGTCTGTGTCACCCCTGATGTGGGGGCGCACCCACTTTCTGTTCTGCCACA-3'
Protein context (NP_689830.2, residues 358-378): TSGVTQTNGN[Asn368His]TGETENEESC